The following is an entry in ClinVar:

NM_000755.5(CRAT):c.1798G>A (p.Ala600Thr)

Gene: CRAT (carnitine O-acetyltransferase; minus strand). Cytogenetic location: 9q34.11.
Variant type: single nucleotide variant.
Coding change: c.1798G>A on transcript NM_000755.5 (MANE Select); coding-DNA position 1798, G replaced by A.
Protein change: p.Ala600Thr; replaces alanine 600 with threonine.
Molecular consequence: missense variant.
Genome position (GRCh38, 1-based): chr9:129,095,480, C>T on the plus strand (G>A on the coding strand, the complement: CRAT is on the minus strand). VCF-style: chr9-129095480-C-T. GRCh37 (hg19) VCF-style: chr9-131857759-C-T.
Other names: c.1798G>A (NM_000755.3); c.1735G>A, p.Ala579Thr (NM_001257363.3, NM_004003.4); c.1801G>A, p.Ala601Thr (NM_001346546.2); c.1726G>A, p.Ala576Thr (NM_001346547.2); c.1663G>A, p.Ala555Thr (NM_001346548.2); c.1678G>A, p.Ala560Thr (NM_001346549.2); short protein forms A555T, A560T, A576T, A579T, A601T, A600T.
Identifiers: ClinVar variation 2962844 (VCV002962844.4), dbSNP rs777404087, ClinGen allele CA5275241.

ClinVar aggregate classification (germline): Uncertain significance. Review status: criteria provided, multiple submitters, no conflicts (2 of 4 stars). 2 submissions from 2 submitters: Uncertain significance (2). Last evaluated 2023-11-23.

Allele frequency attached by ClinVar (database versions not stated): ExAC 0.00002; gnomAD exomes 0.00002.
gnomAD v4.1: 36 of 1,613,320 alleles (0.0022%); highest among the groups gnomAD compares: East Asian, 0.022%; no homozygotes.

Submissions (2):

Labcorp Genetics (formerly Invitae), Labcorp
Classification: Uncertain significance. Last evaluated: 2023-11-23. Review status: criteria provided, single submitter. Criteria: Invitae Variant Classification Sherloc (09022015). Collection method: clinical testing. Allele origin: germline.
Comment: This sequence change replaces alanine, which is neutral and non-polar, with threonine, which is neutral and polar, at codon 600 of the CRAT protein (p.Ala600Thr). This variant is present in population databases (rs777404087, gnomAD 0.03%). This variant has not been reported in the literature in individuals affected with CRAT-related conditions. Advanced modeling of protein sequence and biophysical properties (such as structural, functional, and spatial information, amino acid conservation, physicochemical variation, residue mobility, and thermodynamic stability) performed at Invitae indicates that this missense variant is not expected to disrupt CRAT protein function with a negative predictive value of 80%. In summary, the available evidence is currently insufficient to determine the role of this variant in disease. Therefore, it has been classified as a Variant of Uncertain Significance.

Ambry Genetics
Classification: Uncertain significance. Last evaluated: 2023-10-25. Review status: criteria provided, single submitter. Criteria: Ambry Variant Classification Scheme 2023. Collection method: clinical testing. Allele origin: germline.